The following is an entry in ClinVar:

NM_000238.4(KCNH2):c.2701C>T (p.Gln901Ter)

Gene: KCNH2 (potassium voltage-gated channel subfamily H member 2; minus strand). Cytogenetic location: 7q36.1.
Variant type: single nucleotide variant.
Coding change: c.2701C>T on transcript NM_000238.4 (MANE Select); coding-DNA position 2701, C replaced by T.
Protein change: p.Gln901Ter; replaces glutamine 901 with a stop codon.
Molecular consequence: nonsense.
Genome position (GRCh38, 1-based): chr7:150,947,870, G>A on the plus strand (C>T on the coding strand, the complement: KCNH2 is on the minus strand). VCF-style: chr7-150947870-G-A. GRCh37 (hg19) VCF-style: chr7-150644958-G-A.
Other names: c.1681C>T, p.Gln561Ter (NM_172057.3); short protein forms Q901*, Q561*.
Identifiers: ClinVar variation 927383 (VCV000927383.7), dbSNP rs1800975855, ClinGen allele CA369853557.

ClinVar aggregate classification (germline): Pathogenic/Likely pathogenic. Review status: criteria provided, multiple submitters, no conflicts (2 of 4 stars). 2 submissions from 2 submitters: Pathogenic (1); Likely pathogenic (1). Last evaluated 2021-06-24.

Conditions:
Cardiac arrhythmia. Also called: Cardiac rhythm disease; Arrhythmia. Identifiers: MedGen C0003811, MONDO:0007263, HP:0011675.
Cardiovascular phenotype. Identifiers: MedGen CN230736.

Allele frequency attached by ClinVar (database versions not stated): gnomAD exomes below 0.00001.

Submissions (2):

Ambry Genetics
Classification: Pathogenic for Cardiovascular phenotype. Last evaluated: 2021-06-24. Review status: criteria provided, single submitter. Criteria: Ambry Variant Classification Scheme 2023. Collection method: clinical testing. Allele origin: germline.
Comment: The p.Q901* pathogenic mutation (also known as c.2701C>T), located in coding exon 12 of the KCNH2 gene, results from a C to T substitution at nucleotide position 2701. This changes the amino acid from a glutamine to a stop codon within coding exon 12. This alteration is expected to result in loss of function by premature protein truncation or nonsense-mediated mRNA decay. As such, this alteration is interpreted as a disease-causing mutation.

Color Diagnostics, LLC DBA Color Health
Classification: Likely pathogenic for Cardiac arrhythmia. Last evaluated: 2020-02-21. Review status: criteria provided, single submitter. Criteria: ACMG Guidelines, 2015. Collection method: clinical testing. Allele origin: germline.
Comment: This variant changes 1 nucleotide in exon 12 of the KCNH2 gene, creating a premature translation stop signal. This variant is expected to result in an absent or non-functional protein product. To our knowledge, this variant has not been reported in individuals affected with cardiovascular disorders in the literature. This variant has not been identified in the general population by the Genome Aggregation Database (gnomAD). Loss of KCNH2 function is a known mechanism of disease. Based on the available evidence, this variant is classified as Likely Pathogenic.